The following is an entry in ClinVar:

ClinVar aggregate classification (germline): Pathogenic (1 of 4 stars; one submission).

Conditions:
Medium-chain acyl-coenzyme A dehydrogenase deficiency (ACADMD). Also called: Medium chain acyl-CoA dehydrogenase deficiency; MCADH DEFICIENCY; ACADM DEFICIENCY; CARNITINE DEFICIENCY SECONDARY TO MEDIUM-CHAIN ACYL-CoA DEHYDROGENASE DEFICIENCY; MCAD Deficiency; MCADD. Identifiers: Orphanet 42, MedGen C0220710, MONDO:0008721, OMIM 201450.

Submission:

Labcorp Genetics (formerly Invitae), Labcorp
Classification: Pathogenic for Medium-chain acyl-coenzyme A dehydrogenase deficiency. Last evaluated: 2021-05-17. Review status: criteria provided, single submitter. Criteria: Invitae Variant Classification Sherloc (09022015). Collection method: clinical testing. Allele origin: germline.
Comment: For these reasons, this variant has been classified as Pathogenic. The region of the ACADM gene that includes exon(s) 11-12 has been determined to be clinically significant (PMID: 7633427, Invitae). Therefore, deletions that encompass that region are likely to disrupt protein function and cause disease. This variant has not been reported in the literature in individuals with ACADM-related conditions. This variant is a gross deletion of the genomic region encompassing exon(s) 8-12 of the ACADM gene. The 5' boundary is likely confined to intron 7. The 3' end of this event is unknown as it extends through the termination codon beyond the assayed region for this gene and may encompass additional genes. While this deletion is not anticipated to lead to nonsense mediated decay, it is expected to alter mRNA translation or result in a truncated protein product.

Literature cited by the submitters: PubMed 7633427.

NC_000001.10:g.(?_76211473)_(76228458_?)del

Gene: ACADM (acyl-CoA dehydrogenase medium chain; plus strand). Cytogenetic location: 1p31.1.
Variant type: Deletion.
Identifiers: ClinVar variation 1396357 (VCV001396357.6).